The following is an entry in ClinVar:

ClinVar aggregate classification (germline): Uncertain significance. Review status: criteria provided, multiple submitters, no conflicts (2 of 4 stars). 3 submissions from 3 submitters: Uncertain significance (3). Last evaluated 2026-07-23.

Conditions:
Inborn genetic diseases. Identifiers: MedGen C0950123, MeSH D030342.
Congenital myasthenic syndrome 2A. Also called: Myasthenic syndrome, congenital, 2a, slow-channel. Identifiers: Orphanet 590, MedGen C4225374, MONDO:0014581, OMIM 616313.
CHRNB1-related disorder. Also called: CHRNB1-related condition.

Allele frequency attached by ClinVar (database versions not stated): TOPMed 0.00002; gnomAD 0.00001.
gnomAD v4.1: 3 of 1,612,600 alleles (0.00019%); highest among the groups gnomAD compares: Admixed American, 0.0033%; no homozygotes.

Submissions (3):

Ambry Genetics
Classification: Uncertain significance for Inborn genetic diseases. Last evaluated: 2026-07-23. Review status: criteria provided, single submitter. Criteria: Ambry Variant Classification Scheme 2023. Collection method: clinical testing. Allele origin: germline.
Comment: The c.165C>G (p.S55R) alteration is located in exon 2 (coding exon 2) of the CHRNB1 gene. This alteration results from a C to G substitution at nucleotide position 165, causing the serine (S) at amino acid position 55 to be replaced by an arginine (R). Based on data from gnomAD, the G allele has an overall frequency of <0.001% (1/243674) total alleles studied. The highest observed frequency was 0.003% (1/34320) of Latino alleles. Based on insufficient or conflicting evidence, the clinical significance of this alteration remains unclear.

PreventionGenetics, part of Exact Sciences
Classification: Uncertain significance for CHRNB1-related condition. Last evaluated: 2025-01-24. Review status: criteria provided, single submitter. Criteria: ACMG Guidelines, 2015. Collection method: clinical testing. Allele origin: germline.
Comment: The CHRNB1 c.165C>G variant is predicted to result in the amino acid substitution p.Ser55Arg. To our knowledge, this variant has not been reported in the literature. This variant is reported in 0.0029% of alleles in individuals of Latino descent in gnomAD. At this time, the clinical significance of this variant is uncertain due to the absence of conclusive functional and genetic evidence.

Labcorp Genetics (formerly Invitae), Labcorp
Classification: Uncertain significance for Congenital myasthenic syndrome 2A. Last evaluated: 2023-08-10. Review status: criteria provided, single submitter. Criteria: Invitae Variant Classification Sherloc (09022015). Collection method: clinical testing. Allele origin: germline.
Comment: This variant is present in population databases (rs769579645, gnomAD 0.003%). In summary, the available evidence is currently insufficient to determine the role of this variant in disease. Therefore, it has been classified as a Variant of Uncertain Significance. Algorithms developed to predict the effect of sequence changes on RNA splicing suggest that this variant may disrupt the consensus splice site. Advanced modeling of protein sequence and biophysical properties (such as structural, functional, and spatial information, amino acid conservation, physicochemical variation, residue mobility, and thermodynamic stability) performed at Invitae indicates that this missense variant is not expected to disrupt CHRNB1 protein function. ClinVar contains an entry for this variant (Variation ID: 2151475). This variant has not been reported in the literature in individuals affected with CHRNB1-related conditions. This sequence change replaces serine, which is neutral and polar, with arginine, which is basic and polar, at codon 55 of the CHRNB1 protein (p.Ser55Arg).

NM_000747.3(CHRNB1):c.165C>G (p.Ser55Arg)

Gene: CHRNB1 (cholinergic receptor nicotinic beta 1 subunit; plus strand). Cytogenetic location: 17p13.1.
Variant type: single nucleotide variant.
Coding change: c.165C>G on transcript NM_000747.3 (MANE Select); coding-DNA position 165, C replaced by G.
Protein change: p.Ser55Arg; replaces serine 55 with arginine.
Molecular consequence: missense variant.
Genome position (GRCh38, 1-based): chr17:7,445,376, C>G. VCF-style: chr17-7445376-C-G. GRCh37 (hg19) VCF-style: chr17-7348695-C-G.
Other names: c.165C>G (NM_000747.2); short protein forms S55R.
Identifiers: ClinVar variation 2151475 (VCV002151475.6), dbSNP rs769579645, ClinGen allele CA8347647.